The following is an entry in ClinVar:

ClinVar aggregate classification (germline): Likely pathogenic (1 of 4 stars; one submission).

Allele frequency attached by ClinVar (database versions not stated): gnomAD exomes below 0.00001; ExAC 0.00001.
gnomAD v4.1: 1 of 1,603,156 alleles (0.000062%); highest among the groups gnomAD compares: African/African-American, 0.0013%; no homozygotes.

Submission:

Labcorp Genetics (formerly Invitae), Labcorp
Classification: Likely pathogenic. Last evaluated: 2025-03-17. Review status: criteria provided, single submitter. Criteria: Invitae Variant Classification Sherloc (09022015). Collection method: clinical testing. Allele origin: germline.
Comment: This sequence change affects an acceptor splice site in intron 4 of the SH3PXD2B gene. It is expected to disrupt RNA splicing. Variants that disrupt the donor or acceptor splice site typically lead to a loss of protein function (PMID: 16199547), and loss-of-function variants in SH3PXD2B are known to be pathogenic (PMID: 20137777). The frequency data for this variant in the population databases is considered unreliable, as metrics indicate poor data quality at this position in the gnomAD database. This variant has not been reported in the literature in individuals affected with SH3PXD2B-related conditions. ClinVar contains an entry for this variant (Variation ID: 3012155). Algorithms developed to predict the effect of sequence changes on RNA splicing suggest that this variant may disrupt the consensus splice site. In summary, the currently available evidence indicates that the variant is pathogenic, but additional data are needed to prove that conclusively. Therefore, this variant has been classified as Likely Pathogenic.

Literature cited by the submitters: PubMed 16199547; PubMed 20137777.

NM_001017995.3(SH3PXD2B):c.310-2A>G

Gene: SH3PXD2B (SH3 and PX domains 2B; minus strand). Cytogenetic location: 5q35.1.
Variant type: single nucleotide variant.
Coding change: c.310-2A>G on transcript NM_001017995.3 (MANE Select); the canonical splice acceptor site of the intron before coding-DNA position 310, A replaced by G.
Molecular consequence: splice acceptor variant.
Genome position (GRCh38, 1-based): chr5:172,382,129, T>C on the plus strand (A>G on the coding strand, the complement: SH3PXD2B is on the minus strand). VCF-style: chr5-172382129-T-C. GRCh37 (hg19) VCF-style: chr5-171809133-T-C.
Other names: c.310-2A>G (NM_001308175.2).
Identifiers: ClinVar variation 3012155 (VCV003012155.3), dbSNP rs774657169, ClinGen allele CA3561593.
Genomic context (GRCh38, chr5:172,382,129, plus strand): 5'-TCAAAGAACTGCAGCACCTCATCACACTGAGAGATGTAGGGGGGCAGCTGGATGAGGGCC[T>C]GGAGAAGAGAGACGCAGGTGAGTGCAAAGGAGGAGAGGGGGCTGAGCATGGTGGCACGCG-3'